The following is an entry in ClinVar:

NM_015346.4(ZFYVE26):c.1476T>C (p.Cys492=)

Gene: ZFYVE26 (zinc finger FYVE-type containing 26; minus strand). Cytogenetic location: 14q24.1.
Variant type: single nucleotide variant.
Coding change: c.1476T>C on transcript NM_015346.4 (MANE Select); coding-DNA position 1476, T replaced by C.
Protein change: p.Cys492=; no amino-acid change (cysteine 492 retained).
Molecular consequence: synonymous variant.
Genome position (GRCh38, 1-based): chr14:67,802,242, A>G on the plus strand (T>C on the coding strand, the complement: ZFYVE26 is on the minus strand). VCF-style: chr14-67802242-A-G. GRCh37 (hg19) VCF-style: chr14-68268959-A-G.
Identifiers: ClinVar variation 2967563 (VCV002967563.25), dbSNP rs779664133, ClinGen allele CA486779198.

ClinVar aggregate classification (germline): Likely benign. Review status: criteria provided, multiple submitters, no conflicts (2 of 4 stars). 2 submissions from 2 submitters: Likely benign (2). Last evaluated 2023-12-19.

Conditions:
Spastic paraplegia. Identifiers: MedGen C0037772, HP:0001258.

gnomAD v4.1: 3 of 1,614,202 alleles (0.00019%); highest among the groups gnomAD compares: Admixed American, 0.0017%; no homozygotes.

Submissions (2):

Labcorp Genetics (formerly Invitae), Labcorp
Classification: Likely benign for Spastic paraplegia. Last evaluated: 2023-12-19. Review status: criteria provided, single submitter. Criteria: Invitae Variant Classification Sherloc (09022015). Collection method: clinical testing. Allele origin: germline.

CeGaT Center for Human Genetics Tuebingen
Classification: Likely benign. Last evaluated: 2023-12-01. Review status: criteria provided, single submitter. Criteria: CeGaT Center For Human Genetics Tuebingen Variant Classification Criteria Version 2. Collection method: clinical testing. Allele origin: germline. Affected: yes. Observed: 1 variant allele.
Comment: ZFYVE26: BP4, BP7